The following is an entry in ClinVar:

ClinVar aggregate classification (germline): Pathogenic. Review status: criteria provided, multiple submitters, no conflicts (2 of 4 stars). 2 submissions from 2 submitters: Pathogenic (2). Last evaluated 2026-01-19.

Conditions:
VPS13A-related neurodegenerative disease. Also called: VPS13A Disease; LEVINE-CRITCHLEY SYNDROME; Choreoacanthocytosis; Chorea-acanthocytosis; Choreaacanthocytosis; ACANTHOCYTOSIS WITH NEUROLOGIC DISORDER. Identifiers: Orphanet 2388, MedGen C0393576, MONDO:0008695, OMIM 200150.

Submissions (2):

Labcorp Genetics (formerly Invitae), Labcorp
Classification: Pathogenic. Last evaluated: 2026-01-19. Review status: criteria provided, single submitter. Criteria: Invitae Variant Classification Sherloc (09022015). Collection method: clinical testing. Allele origin: germline.
Comment: This sequence change creates a premature translational stop signal (p.Lys781Asnfs*8) in the VPS13A gene. It is expected to result in an absent or disrupted protein product. Loss-of-function variants in VPS13A are known to be pathogenic (PMID: 12404112, 21598378). This variant is not present in population databases (gnomAD no frequency). This premature translational stop signal has been observed in individual(s) with chorea-acanthocytosis (PMID: 21598378). ClinVar contains an entry for this variant (Variation ID: 2136782). For these reasons, this variant has been classified as Pathogenic.

Myriad Genetics, Inc.
Classification: Pathogenic for VPS13A-related neurodegenerative disease. Last evaluated: 2024-05-14. Review status: criteria provided, single submitter. Criteria: Myriad Autosomal Dominant, Autosomal Recessive and X-Linked Classification Criteria (2023). Collection method: clinical testing. Allele origin: unknown.
Comment: NM_033305.2(VPS13A):c.2343delA(K781Nfs*8) is expected to be pathogenic in the context of VPS13A disease. This variant is predicted to lead to an abnormal or absent protein product due to the creation of a premature termination codon in VPS13A, a gene where loss-of-function variants are known to be pathogenic. Please note: this variant was assessed in the context of healthy population screening.

Literature cited by the submitters: PubMed 12404112 (cited by Labcorp Genetics (formerly Invitae), Labcorp); PubMed 21598378 (cited by Labcorp Genetics (formerly Invitae), Labcorp).

NM_033305.3(VPS13A):c.2343del (p.Lys781fs)

Gene: VPS13A (vacuolar protein sorting 13 homolog A; plus strand). Cytogenetic location: 9q21.2.
Variant type: Deletion.
Coding change: c.2343del on transcript NM_033305.3 (MANE Select); coding-DNA position 2343, one base deleted (A; older notation c.2343delA).
Protein change: p.Lys781fs; shifts the reading frame from lysine 781.
Molecular consequence: frameshift variant.
Genome position (GRCh38, 1-based): chr9:77,260,140, A deleted; the last of 6 consecutive A bases (chr9:77,260,135-77,260,140); deleting any one gives the same sequence. VCF-style (leftmost placement, unchanged base first): chr9-77260134-TA-T. GRCh37 (hg19) VCF-style: chr9-79875050-TA-T.
Other names: c.2343del, p.Lys781fs (NM_001018037.2, NM_001018038.3, NM_015186.4); short protein forms K781fs.
Identifiers: ClinVar variation 2136782 (VCV002136782.5), dbSNP rs1488814919, ClinGen allele CA867090851.